The following is an entry in ClinVar:

ClinVar aggregate classification (germline): Pathogenic (1 of 4 stars; one submission).

Conditions:
Short-rib thoracic dysplasia 11 with or without polydactyly (SRTD11). Also called: SHORT-RIB THORACIC DYSPLASIA 11 WITHOUT POLYDACTYLY. Identifiers: Orphanet 474, Orphanet 93271, MedGen C3810200, MONDO:0014287, OMIM 615633.

Allele frequency attached by ClinVar (database versions not stated): ExAC 0.00001; gnomAD 0.00001; TOPMed 0.00001; gnomAD exomes 0.00002.

Submission:

Labcorp Genetics (formerly Invitae), Labcorp
Classification: Pathogenic for Short-rib thoracic dysplasia 11 with or without polydactyly. Last evaluated: 2022-04-20. Review status: criteria provided, single submitter. Criteria: Invitae Variant Classification Sherloc (09022015). Collection method: clinical testing. Allele origin: germline.
Comment: For these reasons, this variant has been classified as Pathogenic. This variant disrupts a region of the WDR34 protein in which other variant(s) (p.Thr514Argfs*11) have been determined to be pathogenic (PMID: 24183451). This suggests that this is a clinically significant region of the protein, and that variants that disrupt it are likely to be disease-causing. This variant has not been reported in the literature in individuals affected with WDR34-related conditions. This variant is present in population databases (rs754862975, gnomAD 0.002%). This sequence change creates a premature translational stop signal (p.Phe439Valfs*21) in the WDR34 gene. While this is not anticipated to result in nonsense mediated decay, it is expected to disrupt the last 98 amino acid(s) of the WDR34 protein.

Literature cited by the submitters: PubMed 24183451.

NM_052844.4(DYNC2I2):c.1313dup (p.Phe439fs)

Gene: DYNC2I2 (dynein 2 intermediate chain 2; minus strand). Cytogenetic location: 9q34.11.
Variant type: Duplication.
Coding change: c.1313dup on transcript NM_052844.4 (MANE Select); coding-DNA position 1313, one base duplicated (T; older notation c.1313dupT).
Protein change: p.Phe439fs; shifts the reading frame from phenylalanine 439.
Molecular consequence: frameshift variant.
Genome position (GRCh38, 1-based): chr9:128,634,285, A duplicated on the plus strand (T on the coding strand, the reverse complement: DYNC2I2 is on the minus strand). VCF-style (leftmost placement, unchanged base first): chr9-128634284-C-CA. GRCh37 (hg19) VCF-style: chr9-131396563-C-CA.
Other names: short protein forms F439fs.
Identifiers: ClinVar variation 2198627 (VCV002198627.4), dbSNP rs754862975, ClinGen allele CA5266269.